The following is an entry in ClinVar:

NM_006231.4(POLE):c.5045A>C (p.His1682Pro)

Gene: POLE (DNA polymerase epsilon, catalytic subunit; minus strand). Cytogenetic location: 12q24.33.
Variant type: single nucleotide variant.
Coding change: c.5045A>C on transcript NM_006231.4 (MANE Select); coding-DNA position 5045, A replaced by C.
Protein change: p.His1682Pro; replaces histidine 1682 with proline.
Molecular consequence: missense variant.
Genome position (GRCh38, 1-based): chr12:132,642,305, T>G on the plus strand (A>C on the coding strand, the complement: POLE is on the minus strand). VCF-style: chr12-132642305-T-G. GRCh37 (hg19) VCF-style: chr12-133218891-T-G.
Other names: short protein forms H1682P.
Identifiers: ClinVar variation 3422052 (VCV003422052.1).

ClinVar aggregate classification (germline): Uncertain significance (1 of 4 stars; one submission).

Conditions:
Hereditary cancer-predisposing syndrome. Also called: Neoplastic Syndromes, Hereditary; Tumor predisposition; Hereditary Cancer Syndrome; Hereditary neoplastic syndrome. Identifiers: Orphanet 140162, MedGen C0027672, MeSH D009386, MONDO:0015356.

Submission:

Ambry Genetics
Classification: Uncertain significance for Hereditary cancer-predisposing syndrome. Last evaluated: 2024-07-09. Review status: criteria provided, single submitter. Criteria: Ambry Variant Classification Scheme 2023. Collection method: clinical testing. Allele origin: germline.
Comment: The p.H1682P variant (also known as c.5045A>C), located in coding exon 38 of the POLE gene, results from an A to C substitution at nucleotide position 5045. The histidine at codon 1682 is replaced by proline, an amino acid with similar properties. This amino acid position is conserved. In addition, the in silico prediction for this alteration is inconclusive. Based on the available evidence, the clinical significance of this variant remains unclear.